The following is an entry in ClinVar:

NM_001035.3(RYR2):c.3103T>C (p.Tyr1035His)

Gene: RYR2 (ryanodine receptor 2; plus strand). Cytogenetic location: 1q43.
Variant type: single nucleotide variant.
Coding change: c.3103T>C on transcript NM_001035.3 (MANE Select); coding-DNA position 3103, T replaced by C.
Protein change: p.Tyr1035His; replaces tyrosine 1035 with histidine.
Molecular consequence: missense variant.
Genome position (GRCh38, 1-based): chr1:237,550,580, T>C. VCF-style: chr1-237550580-T-C. GRCh37 (hg19) VCF-style: chr1-237713880-T-C.
Other names: short protein forms Y1035H.
Identifiers: ClinVar variation 4800067 (VCV004800067.1).

ClinVar aggregate classification (germline): Uncertain significance (1 of 4 stars; one submission).

Conditions:
Catecholaminergic polymorphic ventricular tachycardia 1. Also called: VENTRICULAR TACHYCARDIA, STRESS-INDUCED POLYMORPHIC 1; RYR2-Related Catecholaminergic Polymorphic Ventricular Tachycardia; VENTRICULAR TACHYCARDIA, CATECHOLAMINERGIC POLYMORPHIC, 1, WITH OR WITHOUT ATRIAL DYSFUNCTION AND/OR DILATED CARDIOMYOPATHY. Identifiers: Orphanet 3286, MedGen C1631597, MONDO:0011484, OMIM 604772.

Submission:

Labcorp Genetics (formerly Invitae), Labcorp
Classification: Uncertain significance for Catecholaminergic polymorphic ventricular tachycardia 1. Last evaluated: 2025-11-28. Review status: criteria provided, single submitter. Criteria: Invitae Variant Classification Sherloc (09022015). Collection method: clinical testing. Allele origin: germline.
Comment: This sequence change replaces tyrosine, which is neutral and polar, with histidine, which is basic and polar, at codon 1035 of the RYR2 protein (p.Tyr1035His). This variant is not present in population databases (gnomAD no frequency). This variant has not been reported in the literature in individuals affected with RYR2-related conditions. Invitae Evidence Modeling of protein sequence and biophysical properties (such as structural, functional, and spatial information, amino acid conservation, physicochemical variation, residue mobility, and thermodynamic stability) indicates that this missense variant is expected to disrupt RYR2 protein function with a positive predictive value of 95%. In summary, the available evidence is currently insufficient to determine the role of this variant in disease. Therefore, it has been classified as a Variant of Uncertain Significance.